The following is an entry in ClinVar:

ClinVar aggregate classification (germline): Uncertain significance (1 of 4 stars; one submission).

Submission:

Labcorp Genetics (formerly Invitae), Labcorp
Classification: Uncertain significance. Last evaluated: 2021-12-13. Review status: criteria provided, single submitter. Criteria: Invitae Variant Classification Sherloc (09022015). Collection method: clinical testing. Allele origin: germline.
Comment: This sequence change replaces glutamic acid, which is acidic and polar, with glycine, which is neutral and non-polar, at codon 3808 of the DNAH9 protein (p.Glu3808Gly). This variant is not present in population databases (gnomAD no frequency). This variant has not been reported in the literature in individuals affected with DNAH9-related conditions. Algorithms developed to predict the effect of missense changes on protein structure and function are either unavailable or do not agree on the potential impact of this missense change (SIFT: "Deleterious"; PolyPhen-2: "Possibly Damaging"; Align-GVGD: "Class C0"). In summary, the available evidence is currently insufficient to determine the role of this variant in disease. Therefore, it has been classified as a Variant of Uncertain Significance.

NM_001372.4(DNAH9):c.11423A>G (p.Glu3808Gly)

Gene: DNAH9 (dynein axonemal heavy chain 9; plus strand). Cytogenetic location: 17p12.
Variant type: single nucleotide variant.
Coding change: c.11423A>G on transcript NM_001372.4 (MANE Select); coding-DNA position 11423, A replaced by G.
Protein change: p.Glu3808Gly; replaces glutamic acid 3808 with glycine.
Molecular consequence: missense variant.
Genome position (GRCh38, 1-based): chr17:11,902,735, A>G. VCF-style: chr17-11902735-A-G. GRCh37 (hg19) VCF-style: chr17-11806052-A-G.
Other names: c.359A>G, p.Glu120Gly (NM_004662.2); short protein forms E3808G, E120G.
Identifiers: ClinVar variation 1426926 (VCV001426926.6), dbSNP rs2151013058, ClinGen allele CA398202437.